The following is an entry in ClinVar:

NM_052867.4(NALCN):c.2969G>T (p.Cys990Phe)

Gene: NALCN (sodium leak channel, non-selective; minus strand). Cytogenetic location: 13q33.1.
Variant type: single nucleotide variant.
Coding change: c.2969G>T on transcript NM_052867.4 (MANE Select); coding-DNA position 2969, G replaced by T.
Protein change: p.Cys990Phe; replaces cysteine 990 with phenylalanine.
Molecular consequence: missense variant.
Genome position (GRCh38, 1-based): chr13:101,103,260, C>A on the plus strand (G>T on the coding strand, the complement: NALCN is on the minus strand). VCF-style: chr13-101103260-C-A. GRCh37 (hg19) VCF-style: chr13-101755611-C-A.
Other names: c.3056G>T, p.Cys1019Phe (NM_001350748.2); c.2969G>T, p.Cys990Phe (NM_001350749.2); c.2882G>T, p.Cys961Phe (NM_001350750.2, NM_001350751.2); short protein forms C1019F, C961F, C990F.
Identifiers: ClinVar variation 1704829 (VCV001704829.3), dbSNP rs758254800, ClinGen allele CA388669305.

ClinVar aggregate classification (germline): Uncertain significance (1 of 4 stars; one submission).

Submission:

GeneDx
Classification: Uncertain significance. Last evaluated: 2024-06-28. Review status: criteria provided, single submitter. Criteria: GeneDx Variant Classification Process June 2021. Collection method: clinical testing. Allele origin: germline. Affected: yes.
Comment: Not observed at significant frequency in large population cohorts (gnomAD); In silico analysis supports that this missense variant has a deleterious effect on protein structure/function; Has not been previously published as pathogenic or benign to our knowledge